The following is an entry in ClinVar:

ClinVar aggregate classification (germline): Uncertain significance. Review status: criteria provided, multiple submitters, no conflicts (2 of 4 stars). 2 submissions from 2 submitters: Uncertain significance (2). Last evaluated 2026-01-02.

Conditions:
Brugada syndrome. Also called: Sudden unexpected nocturnal death syndrome; Sudden Unexplained Death Syndrome; Sudden Unexplained Nocturnal Death Syndrome (SUNDS); Sudden unexplained nocturnal death syndrome. Identifiers: Orphanet 130, MedGen C1142166, MONDO:0015263.
Cardiovascular phenotype. Identifiers: MedGen CN230736.

gnomAD v4.1: 1 of 1,613,726 alleles (0.000062%); no homozygotes.

Submissions (2):

Ambry Genetics
Classification: Uncertain significance for Cardiovascular phenotype. Last evaluated: 2026-01-02. Review status: criteria provided, single submitter. Criteria: Ambry Variant Classification Scheme 2023. Collection method: clinical testing. Allele origin: germline.
Comment: The p.A282T variant (also known as c.844G>A), located in coding exon 6 of the SCN10A gene, results from a G to A substitution at nucleotide position 844. The alanine at codon 282 is replaced by threonine, an amino acid with similar properties. This amino acid position is conserved. In addition, this alteration is predicted to be tolerated by in silico analysis. Based on the available evidence, the clinical significance of this variant remains unclear.

Labcorp Genetics (formerly Invitae), Labcorp
Classification: Uncertain significance for Brugada syndrome. Last evaluated: 2025-01-14. Review status: criteria provided, single submitter. Criteria: Invitae Variant Classification Sherloc (09022015). Collection method: clinical testing. Allele origin: germline.
Comment: This sequence change replaces alanine, which is neutral and non-polar, with threonine, which is neutral and polar, at codon 282 of the SCN10A protein (p.Ala282Thr). The frequency data for this variant in the population databases is considered unreliable, as metrics indicate poor data quality at this position in the gnomAD database. This variant has not been reported in the literature in individuals affected with SCN10A-related conditions. Invitae Evidence Modeling of protein sequence and biophysical properties (such as structural, functional, and spatial information, amino acid conservation, physicochemical variation, residue mobility, and thermodynamic stability) indicates that this missense variant is not expected to disrupt SCN10A protein function with a negative predictive value of 80%. In summary, the available evidence is currently insufficient to determine the role of this variant in disease. Therefore, it has been classified as a Variant of Uncertain Significance.

NM_006514.4(SCN10A):c.844G>A (p.Ala282Thr)

Gene: SCN10A (sodium voltage-gated channel alpha subunit 10; minus strand). Cytogenetic location: 3p22.2.
Variant type: single nucleotide variant.
Coding change: c.844G>A on transcript NM_006514.4 (MANE Select); coding-DNA position 844, G replaced by A.
Protein change: p.Ala282Thr; replaces alanine 282 with threonine.
Molecular consequence: missense variant.
Genome position (GRCh38, 1-based): chr3:38,761,231, C>T on the plus strand (G>A on the coding strand, the complement: SCN10A is on the minus strand). VCF-style: chr3-38761231-C-T. GRCh37 (hg19) VCF-style: chr3-38802722-C-T.
Other names: c.844G>A (NM_006514.2); c.844G>A, p.Ala282Thr (NM_001293306.2, NM_001293307.2); short protein forms A282T.
Identifiers: ClinVar variation 3664839 (VCV003664839.3).